The following is an entry in ClinVar:

ClinVar aggregate classification (germline): Uncertain significance. Review status: criteria provided, multiple submitters, no conflicts (2 of 4 stars). 3 submissions from 3 submitters: Uncertain significance (3). Last evaluated 2025-12-26.

Conditions:
Drash syndrome (DDS). Also called: NEPHROPATHY, WILMS TUMOR, AND GENITAL ANOMALIES; WILMS TUMOR AND PSEUDO- OR TRUE HERMAPHRODITISM. Identifiers: Orphanet 220, MedGen C0950121, MONDO:0008682, OMIM 194080.
Frasier syndrome. Identifiers: Orphanet 347, MedGen C0950122, MeSH D052159, MONDO:0007635, OMIM 136680.
Wilms tumor 1 (WT1). Also called: Wilms tumor, somatic. Identifiers: Orphanet 654, MedGen CN033288, MONDO:0008679, OMIM 194070.
11p partial monosomy syndrome (WAGR). Also called: CHROMOSOME 11p13 DELETION SYNDROME; WAGR Spectrum Disorder; WAGR syndrome; WAGR Complex. Identifiers: Orphanet 893, MedGen C0206115, MONDO:0008681, OMIM 194072.
Inborn genetic diseases. Identifiers: MedGen C0950123, MeSH D030342.

Allele frequency attached by ClinVar (database versions not stated): gnomAD exomes below 0.00001; gnomAD 0.00001.
gnomAD v4.1: 2 of 1,614,120 alleles (0.00012%); highest among the groups gnomAD compares: African/African-American, 0.0013%; no homozygotes.

Submissions (3):

Ambry Genetics
Classification: Uncertain significance for Inborn genetic diseases. Last evaluated: 2025-12-26. Review status: criteria provided, single submitter. Criteria: Ambry Variant Classification Scheme 2023. Collection method: clinical testing. Allele origin: germline.
Comment: The p.V500L variant (also known as c.1498G>C), located in coding exon 10 of the WT1 gene, results from a G to C substitution at nucleotide position 1498. The valine at codon 500 is replaced by leucine, an amino acid with highly similar properties. This amino acid position is conserved. In addition, this alteration is predicted to be tolerated by in silico analysis. Based on the available evidence, the clinical significance of this variant remains unclear.

All of Us Research Program, National Institutes of Health
Classification: Uncertain significance for Wilms tumor 1. Last evaluated: 2023-12-13. Review status: criteria provided, single submitter. Criteria: ACMG Guidelines, 2015. Collection method: clinical testing. Allele origin: germline. Inheritance: Autosomal dominant inheritance. Observed: 1 variant allele, 1 heterozygote.
Comment: This missense variant replaces valine with leucine at codon 500 of the WT1 protein. Computational prediction suggests that this variant may not impact protein structure and function. To our knowledge, functional studies have not been reported for this variant. This variant has not been reported in individuals affected with WT1-related disorders in the literature. This variant has been identified in 1/31410 chromosomes in the general population by the Genome Aggregation Database (gnomAD). The available evidence is insufficient to determine the role of this variant in disease conclusively. Therefore, this variant is classified as a Variant of Uncertain Significance.

This study involves interpretation of variants in research participants for the purpose of population health screening. Participant phenotype was not available at the time of variant classification. Additional details can be found in publication PMID: 35346344, PMCID: PMC8962531

Labcorp Genetics (formerly Invitae), Labcorp
Classification: Uncertain significance for Wilms tumor 1; Drash syndrome; 11p partial monosomy syndrome; Frasier syndrome. Last evaluated: 2020-01-17. Review status: criteria provided, single submitter. Criteria: Invitae Variant Classification Sherloc (09022015). Collection method: clinical testing. Allele origin: germline.
Comment: This sequence change replaces valine with leucine at codon 500 of the WT1 protein (p.Val500Leu). The valine residue is highly conserved and there is a small physicochemical difference between valine and leucine. Algorithms developed to predict the effect of missense changes on protein structure and function (SIFT, PolyPhen-2, Align-GVGD) all suggest that this variant is likely to be disruptive, but these predictions have not been confirmed by published functional studies and their clinical significance is uncertain. This variant has not been reported in the literature in individuals with WT1-related conditions. This variant is not present in population databases (ExAC no frequency). In summary, the available evidence is currently insufficient to determine the role of this variant in disease. Therefore, it has been classified as a Variant of Uncertain Significance.

NM_024426.6(WT1):c.1513G>C (p.Val505Leu)

Gene: WT1 (WT1 transcription factor; minus strand). Cytogenetic location: 11p13.
Variant type: single nucleotide variant.
Coding change: c.1513G>C on transcript NM_024426.6 (MANE Select); coding-DNA position 1513, G replaced by C.
Protein change: p.Val505Leu; replaces valine 505 with leucine.
Molecular consequence: missense variant. On other transcripts: non-coding transcript variant (1).
Genome position (GRCh38, 1-based): chr11:32,389,114, C>G on the plus strand (G>C on the coding strand, the complement: WT1 is on the minus strand). VCF-style: chr11-32389114-C-G. GRCh37 (hg19) VCF-style: chr11-32410660-C-G.
Other names: c.1453G>C, p.Val485Leu (NM_000378.6); c.853G>C, p.Val285Leu (NM_001198551.2); c.811G>C, p.Val271Leu (NM_001198552.2); c.325G>C, p.Val109Leu (NM_001367854.1); c.1498G>C, p.Val500Leu (NM_001407044.1); c.1462G>C, p.Val488Leu (NM_001407045.1); c.1420G>C, p.Val474Leu (NM_001407046.1); c.1381G>C, p.Val461Leu (NM_001407047.1); and 6 more; short protein forms V109L, V271L, V285L, V502L, V505L, V485L, V457L, V458L.
Identifiers: ClinVar variation 956104 (VCV000956104.13), dbSNP rs1399910889, ClinGen allele CA379957596.
Genomic context (GRCh38, chr11:32,389,114, plus strand): 5'-CCCCTCAAAGCGCCAGCTGGAGTTTGGTCATGTTTCTCTGATGCATGTTGTGATGGCGGA[C>G]TAATTCATCTGACCGGGCAAACTTTTTCTGACAACTTGGCCACCGACAGCTGAAGGGCTT-3'
Protein context (NP_077744.4, residues 495-515): QKKFARSDEL[Val505Leu]RHHNMHQRNM